The following is an entry in ClinVar:

ClinVar aggregate classification (germline): Uncertain significance. Review status: criteria provided, multiple submitters, no conflicts (2 of 4 stars). 2 submissions from 2 submitters: Uncertain significance (2). Last evaluated 2023-04-17.

Conditions:
Microcephaly-intellectual disability-sensorineural hearing loss-epilepsy-abnormal muscle tone syndrome (NEDHSB). Also called: NEURODEVELOPMENTAL DISORDER WITH HEARING LOSS, SEIZURES, AND BRAIN ABNORMALITIES. Identifiers: Orphanet 457351, MedGen C4225276, MONDO:0014698, OMIM 616577.

Allele frequency attached by ClinVar (database versions not stated): gnomAD exomes below 0.00001.
gnomAD v4.1: 1 of 1,613,882 alleles (0.000062%); highest among the groups gnomAD compares: Non-Finnish European, 0.000085%; no homozygotes.

Submissions (2):

GeneDx
Classification: Uncertain significance. Last evaluated: 2023-04-17. Review status: criteria provided, single submitter. Criteria: GeneDx Variant Classification Process June 2021. Collection method: clinical testing. Allele origin: germline. Affected: yes.
Comment: Not observed at significant frequency in large population cohorts (gnomAD); In silico analysis supports that this missense variant has a deleterious effect on protein structure/function; Has not been previously published as pathogenic or benign to our knowledge

Labcorp Genetics (formerly Invitae), Labcorp
Classification: Uncertain significance for Microcephaly-intellectual disability-sensorineural hearing loss-epilepsy-abnormal muscle tone syndrome. Last evaluated: 2020-01-08. Review status: criteria provided, single submitter. Criteria: Invitae Variant Classification Sherloc (09022015). Collection method: clinical testing. Allele origin: germline.
Comment: In summary, the available evidence is currently insufficient to determine the role of this variant in disease. Therefore, it has been classified as a Variant of Uncertain Significance. Algorithms developed to predict the effect of missense changes on protein structure and function (SIFT, PolyPhen-2, Align-GVGD) all suggest that this variant is likely to be disruptive, but these predictions have not been confirmed by published functional studies and their clinical significance is uncertain. This variant has not been reported in the literature in individuals with SPATA5-related conditions. This variant is not present in population databases (ExAC no frequency). This sequence change replaces aspartic acid with glycine at codon 730 of the SPATA5 protein (p.Asp730Gly). The aspartic acid residue is highly conserved and there is a moderate physicochemical difference between aspartic acid and glycine.

NM_145207.3(AFG2A):c.2189A>G (p.Asp730Gly)

Gene: AFG2A (AAA ATPase AFG2A; plus strand). Cytogenetic location: 4q28.1.
Variant type: single nucleotide variant.
Coding change: c.2189A>G on transcript NM_145207.3 (MANE Select); coding-DNA position 2189, A replaced by G.
Protein change: p.Asp730Gly; replaces aspartic acid 730 with glycine.
Molecular consequence: missense variant.
Genome position (GRCh38, 1-based): chr4:123,057,264, A>G. VCF-style: chr4-123057264-A-G. GRCh37 (hg19) VCF-style: chr4-123978419-A-G.
Other names: c.2186A>G, p.Asp729Gly (NM_001345856.2); c.2189A>G (NM_145207.2); short protein forms D729G, D730G.
Identifiers: ClinVar variation 1018180 (VCV001018180.5), dbSNP rs1730787671, ClinGen allele CA358227191.